The following is an entry in ClinVar:

ClinVar aggregate classification (germline): Uncertain significance (1 of 4 stars; one submission).

Conditions:
Bardet-Biedl syndrome (BBS). Identifiers: Orphanet 110, MedGen C0752166, MONDO:0015229.

Allele frequency attached by ClinVar (database versions not stated): TOPMed below 0.00001.
gnomAD v4.1: 8 of 1,614,120 alleles (0.0005%); highest among the groups gnomAD compares: Non-Finnish European, 0.00068%; no homozygotes.

Submission:

Labcorp Genetics (formerly Invitae), Labcorp
Classification: Uncertain significance for Bardet-Biedl syndrome. Last evaluated: 2020-02-08. Review status: criteria provided, single submitter. Criteria: Invitae Variant Classification Sherloc (09022015). Collection method: clinical testing. Allele origin: germline.
Comment: This sequence change falls in intron 9 of the BBS1 gene. It does not directly change the encoded amino acid sequence of the BBS1 protein, but it affects a nucleotide within the consensus splice site of the intron. This variant is not present in population databases (ExAC no frequency). This variant has not been reported in the literature in individuals with BBS1-related conditions. Nucleotide substitutions within the consensus splice site are a relatively common cause of aberrant splicing (PMID: 17576681, 9536098). Algorithms developed to predict the effect of sequence changes on RNA splicing suggest that this variant is not likely to affect RNA splicing, but this prediction has not been confirmed by published transcriptional studies. In summary, the available evidence is currently insufficient to determine the role of this variant in disease. Therefore, it has been classified as a Variant of Uncertain Significance.

Literature cited by the submitters: PubMed 17576681; PubMed 9536098.

NM_024649.5(BBS1):c.831-3C>T

Genes: BBS1 (Bardet-Biedl syndrome 1; plus strand), ZDHHC24 (zDHHC palmitoyltransferase 24; minus strand). Cytogenetic location: 11q13.2.
Variant type: single nucleotide variant.
Coding change: c.831-3C>T on transcript NM_024649.5 (MANE Select); 3 bases into the intron before coding-DNA position 831, C replaced by T.
Molecular consequence: intron variant.
Genome position (GRCh38, 1-based): chr11:66,523,453, C>T. VCF-style: chr11-66523453-C-T. GRCh37 (hg19) VCF-style: chr11-66290924-C-T.
Other names: c.*22-1987G>A (NM_001348571.2).
Identifiers: ClinVar variation 2083073 (VCV002083073.1), dbSNP rs113994179, ClinGen allele CA600232492.